The following is an entry in ClinVar:

NM_000057.4(BLM):c.1432G>A (p.Gly478Arg)

Gene: BLM (BLM RecQ like helicase; plus strand). Cytogenetic location: 15q26.1.
Variant type: single nucleotide variant.
Coding change: c.1432G>A on transcript NM_000057.4 (MANE Select); coding-DNA position 1432, G replaced by A.
Protein change: p.Gly478Arg; replaces glycine 478 with arginine.
Molecular consequence: missense variant.
Genome position (GRCh38, 1-based): chr15:90,760,805, G>A. VCF-style: chr15-90760805-G-A. GRCh37 (hg19) VCF-style: chr15-91304035-G-A.
Other names: c.1432G>A, p.Gly478Arg (NM_001287246.2, NM_001287247.2); c.307G>A, p.Gly103Arg (NM_001287248.2); short protein forms G478R, G103R.
Identifiers: ClinVar variation 1045994 (VCV001045994.9), dbSNP rs1490929990, ClinGen allele CA393843043.

ClinVar aggregate classification (germline): Uncertain significance. Review status: criteria provided, single submitter (1 of 4 stars). 2 submissions from 2 submitters: Uncertain significance (1). 1 of the submissions does not count toward it. Last evaluated 2025-09-22.

Conditions:
Bloom syndrome (BLM). Also called: Bloom-Torre-Machacek syndrome. Identifiers: Orphanet 125, MedGen C0005859, MONDO:0008876, OMIM 210900.

Allele frequency attached by ClinVar (database versions not stated): gnomAD 0.00001; TOPMed 0.00002.

Submissions (2):

Labcorp Genetics (formerly Invitae), Labcorp
Classification: Uncertain significance for Bloom syndrome. Last evaluated: 2025-09-22. Review status: criteria provided, single submitter. Criteria: Invitae Variant Classification Sherloc (09022015). Collection method: clinical testing. Allele origin: germline.
Comment: This sequence change replaces glycine, which is neutral and non-polar, with arginine, which is basic and polar, at codon 478 of the BLM protein (p.Gly478Arg). This variant is not present in population databases (gnomAD no frequency). This variant has not been reported in the literature in individuals affected with BLM-related conditions. ClinVar contains an entry for this variant (Variation ID: 1045994). Invitae Evidence Modeling of protein sequence and biophysical properties (such as structural, functional, and spatial information, amino acid conservation, physicochemical variation, residue mobility, and thermodynamic stability) indicates that this missense variant is not expected to disrupt BLM protein function with a negative predictive value of 80%. In summary, the available evidence is currently insufficient to determine the role of this variant in disease. Therefore, it has been classified as a Variant of Uncertain Significance.

Natera, Inc.
Classification: Uncertain significance for Bloom syndrome. Last evaluated: 2021-08-24. Review status: no assertion criteria provided. Collection method: clinical testing. Allele origin: germline. Not counted in ClinVar's aggregate classification.